The following is an entry in ClinVar:

ClinVar aggregate classification (germline): Conflicting classifications of pathogenicity. Review status: criteria provided, conflicting classifications (1 of 4 stars). 2 submissions from 2 submitters: Uncertain significance (1); Likely benign (1). Last evaluated 2024-08-28.

Conditions:
Inborn genetic diseases. Identifiers: MedGen C0950123, MeSH D030342.

Allele frequency attached by ClinVar (database versions not stated): ExAC 0.00015; 1000 Genomes Project 30x 0.00016; 1000 Genomes Project 0.00020.
gnomAD v4.1: 149 of 1,525,510 alleles (0.0098%); highest among the groups gnomAD compares: Middle Eastern, 0.017%; 1 homozygote.

Submissions (2):

Ambry Genetics
Classification: Likely benign for Inborn genetic diseases. Last evaluated: 2024-08-28. Review status: criteria provided, single submitter. Criteria: Ambry Variant Classification Scheme 2023. Collection method: clinical testing. Allele origin: germline.

CeGaT Center for Human Genetics Tuebingen
Classification: Uncertain significance. Last evaluated: 2023-07-01. Review status: criteria provided, single submitter. Criteria: CeGaT Center For Human Genetics Tuebingen Variant Classification Criteria Version 2. Collection method: clinical testing. Allele origin: germline. Affected: yes. Observed: 1 variant allele.
Comment: WDR81: PM2, BP4

NM_001163809.2(WDR81):c.5074G>A (p.Val1692Ile)

Gene: WDR81 (WD repeat domain 81; plus strand). Cytogenetic location: 17p13.3.
Variant type: single nucleotide variant.
Coding change: c.5074G>A on transcript NM_001163809.2 (MANE Select); coding-DNA position 5074, G replaced by A.
Protein change: p.Val1692Ile; replaces valine 1692 with isoleucine.
Molecular consequence: missense variant.
Genome position (GRCh38, 1-based): chr17:1,734,111, G>A. VCF-style: chr17-1734111-G-A. GRCh37 (hg19) VCF-style: chr17-1637405-G-A.
Other names: c.5074G>A (NM_001163809.1); c.1465G>A, p.Val489Ile (NM_001163673.2); c.1393G>A, p.Val465Ile (NM_001163811.2); c.1921G>A, p.Val641Ile (NM_152348.4); short protein forms V1692I, V465I, V489I, V641I.
Identifiers: ClinVar variation 2647206 (VCV002647206.25), dbSNP rs545456101, ClinGen allele CA8273751.